The following is an entry in ClinVar:

ClinVar aggregate classification (germline): Uncertain significance (1 of 4 stars; one submission).

Submission:

Women's Health and Genetics/Laboratory Corporation of America, LabCorp
Classification: Uncertain significance. Last evaluated: 2025-01-16. Review status: criteria provided, single submitter. Criteria: LabCorp Variant Classification Summary - May 2015. Collection method: clinical testing. Allele origin: germline.
Comment: Variant summary: TTN c.10360+7230_10360+7231delCA is located at a position not widely known to affect splicing. This variant corresponds to c.11312-3973_11312-3972delCA in NM_001267550 and c.16506_16507delCA, p.Asp5502GlufsX4 in NM_133379, however it is not expected to result in nonsense mediated decay. Loss of function variants in all TTN bands are strongly associated with a spectrum of autosomal recessive titinopathies when exon expression (proportion spliced in, PSI, 1=complete expression) in skeletal muscle is >0.1 (PMID: 36977548, 39198997, 29598826, 32778822, 29691892, 33449170, 36977548, internal data). In contrast, loss of function variants in all TTN bands are only strongly associated with autosomal dominant TTN-related cardiomyopathies if located in exons constitutively expressed (PSI >0.9) in cardiac muscle, excluding extreme C-terminal exons 359-363 (PMID: 25589632, 31216868, 32964742, 34662387, 27869827, Shetty et al., Nat Cardiovasc Res 2024,, internal data). This variant has a maximum skeletal muscle PSI of 0.020 and a maximum cardiac muscle PSI of 0.035. Consensus agreement among computation tools predict no significant impact on normal splicing. However, these predictions have yet to be confirmed by functional studies. The variant was absent in 248990 control chromosomes. The available data on variant occurrences in the general population are insufficient to allow any conclusion about variant significance. To our knowledge, no occurrence of c.10360+7230_10360+7231delCA in individuals affected with TTN-related conditions and no experimental evidence demonstrating its impact on protein function have been reported. No submitters have cited clinical-significance assessments for this variant to ClinVar. Based on the evidence outlined above, and the lack of clinical evidence in a low PSI exon, the variant was classified as uncertain significance.

NM_001267550.2(TTN):c.11312-3973_11312-3972del

Gene: TTN (titin; minus strand). Cytogenetic location: 2q31.2.
Variant type: Deletion.
Coding change: c.11312-3973_11312-3972del on transcript NM_001267550.2 (MANE Select); 3973 bases into the intron before coding-DNA position 11312 through 3972 bases into the intron before coding-DNA position 11312, 2 bases deleted (CA; older notation c.11312-3973_11312-3972delCA).
Molecular consequence: intron variant. On other transcripts: frameshift variant (1).
Genome position (GRCh38, 1-based): chr2:178,745,893-178,745,894, TG deleted on the plus strand (CA on the coding strand, the reverse complement: TTN is on the minus strand); deleting any 2 consecutive bases within chr2:178,745,893-178,745,895 gives the same sequence; the c. name uses the placement nearest the transcript's 3' end. VCF-style (leftmost placement, unchanged base first): chr2-178745892-CTG-C. GRCh37 (hg19) VCF-style: chr2-179610619-CTG-C.
Other names: c.16506_16507del, p.Asp5502fs (NM_133379.5); c.10223-3973_10223-3972del (NM_003319.4); c.10799-3973_10799-3972del (NM_133437.4); c.10598-3973_10598-3972del (NM_133432.3); c.10360+7230_10360+7231del (NM_133378.4); c.10361-3973_10361-3972del (NM_001256850.1); c.10360+7230_10360+7231delCA (NM_133378.4); short protein forms D5502fs.
Identifiers: ClinVar variation 3233665 (VCV003233665.4), dbSNP rs2530985447, ClinGen allele CA2662154588.
Genomic context (GRCh38, chr2:178,745,892, plus strand): 5'-CAGTCAGAAATACCTTTGATAAACCTGGGAGGCCCTTCCACCACCTGAAATTCAAAAAAA[CTG>C]TCTGTGTAGTTGCTCTTTAAGACCAATTCTTCCATTAAACTGCTTAAAGTCACTTTGCTT-3'